The following is an entry in ClinVar:

NM_001378414.1(HDAC4):c.2163G>A (p.Ser721=)

Gene: HDAC4 (histone deacetylase 4; minus strand). Cytogenetic location: 2q37.3.
Variant type: single nucleotide variant.
Coding change: c.2163G>A on transcript NM_001378414.1 (MANE Select); coding-DNA position 2163, G replaced by A.
Protein change: p.Ser721=; no amino-acid change (serine 721 retained).
Molecular consequence: synonymous variant.
Genome position (GRCh38, 1-based): chr2:239,102,846, C>T on the plus strand (G>A on the coding strand, the complement: HDAC4 is on the minus strand). VCF-style: chr2-239102846-C-T. GRCh37 (hg19) VCF-style: chr2-240024542-C-T.
Other names: c.2163G>A, p.Ser721= (NM_001378415.1); c.2148G>A, p.Ser716= (NM_001378416.1, NM_001378417.1, NM_006037.4).
Identifiers: ClinVar variation 283196 (VCV000283196.29), dbSNP rs61735030, ClinGen allele CA2199550.

ClinVar aggregate classification (germline): Benign/Likely benign. Review status: criteria provided, multiple submitters, no conflicts (2 of 4 stars). 5 submissions from 5 submitters: Benign (2); Likely benign (3). Last evaluated 2025-06-06.

Allele frequency attached by ClinVar (database versions not stated): ExAC 0.00060; gnomAD 0.00171 and 0.00180; ESP Exome Variant Server 0.00185; TOPMed 0.00201; 1000 Genomes Project 0.00240; 1000 Genomes Project 30x 0.00250.
gnomAD v4.1: 536 of 1,613,920 alleles (0.033%); highest among the groups gnomAD compares: African/African-American, 0.53%; 3 homozygotes.

Submissions (5):

Labcorp Genetics (formerly Invitae), Labcorp
Classification: Benign. Last evaluated: 2025-06-06. Review status: criteria provided, single submitter. Criteria: Invitae Variant Classification Sherloc (09022015). Collection method: clinical testing. Allele origin: germline.

CeGaT Center for Human Genetics Tuebingen
Classification: Likely benign. Last evaluated: 2025-02-01. Review status: criteria provided, single submitter. Criteria: CeGaT Center For Human Genetics Tuebingen Variant Classification Criteria Version 2. Collection method: clinical testing. Allele origin: germline. Affected: yes. Observed: 1 variant allele.
Comment: HDAC4: BP4, BP7

Blueprint Genetics
Classification: Benign. Last evaluated: 2024-11-01. Review status: criteria provided, single submitter. Criteria: ACMG Guidelines, 2015. Collection method: clinical testing. Allele origin: germline.

Eurofins Ntd Llc (ga)
Classification: Likely benign. Last evaluated: 2015-10-02. Review status: criteria provided, single submitter. Criteria: EGL Classification Definitions 2015. Collection method: clinical testing. Allele origin: germline. Observed: 1 variant allele, 1 heterozygote.

Breakthrough Genomics
Classification: Likely benign. Review status: criteria provided, single submitter. Criteria: ACMG Guidelines, 2015. Collection method: not provided. Allele origin: germline. Inheritance: Autosomal dominant inheritance. Affected: yes.